The following is an entry in ClinVar:

NM_000179.3(MSH6):c.833T>C (p.Ile278Thr)

Gene: MSH6 (mutS homolog 6; plus strand). Cytogenetic location: 2p16.3.
Variant type: single nucleotide variant.
Coding change: c.833T>C on transcript NM_000179.3 (MANE Select); coding-DNA position 833, T replaced by C.
Protein change: p.Ile278Thr; replaces isoleucine 278 with threonine.
Molecular consequence: missense variant. On other transcripts: 5 prime UTR variant (2).
Genome position (GRCh38, 1-based): chr2:47,798,816, T>C. VCF-style: chr2-47798816-T-C. GRCh37 (hg19) VCF-style: chr2-48025955-T-C.
Other names: c.443T>C, p.Ile148Thr (NM_001281492.2); c.-74T>C (NM_001281493.2, NM_001281494.2); short protein forms I278T, I148T.
Identifiers: ClinVar variation 856513 (VCV000856513.11), dbSNP rs876658406, ClinGen allele CA346740479.

ClinVar aggregate classification (germline): Uncertain significance. Review status: criteria provided, multiple submitters, no conflicts (2 of 4 stars). 2 submissions from 2 submitters: Uncertain significance (2). Last evaluated 2025-01-29.

Conditions:
Hereditary cancer-predisposing syndrome. Also called: Tumor predisposition; Hereditary neoplastic syndrome; Neoplastic Syndromes, Hereditary; Hereditary Cancer Syndrome. Identifiers: Orphanet 140162, MedGen C0027672, MeSH D009386, MONDO:0015356.
Hereditary nonpolyposis colorectal neoplasms. Identifiers: MedGen C0009405, MeSH D003123.

Allele frequency attached by ClinVar (database versions not stated): gnomAD exomes below 0.00001.
gnomAD v4.1: 1 of 1,614,012 alleles (0.000062%); highest among the groups gnomAD compares: Non-Finnish European, 0.000085%; no homozygotes.

Submissions (2):

Labcorp Genetics (formerly Invitae), Labcorp
Classification: Uncertain significance for Hereditary nonpolyposis colorectal neoplasms. Last evaluated: 2025-01-29. Review status: criteria provided, single submitter. Criteria: Invitae Variant Classification Sherloc (09022015). Collection method: clinical testing. Allele origin: germline.
Comment: This sequence change replaces isoleucine, which is neutral and non-polar, with threonine, which is neutral and polar, at codon 278 of the MSH6 protein (p.Ile278Thr). This variant is not present in population databases (gnomAD no frequency). This variant has not been reported in the literature in individuals affected with MSH6-related conditions. ClinVar contains an entry for this variant (Variation ID: 856513). Invitae Evidence Modeling of protein sequence and biophysical properties (such as structural, functional, and spatial information, amino acid conservation, physicochemical variation, residue mobility, and thermodynamic stability) indicates that this missense variant is not expected to disrupt MSH6 protein function with a negative predictive value of 95%. In summary, the available evidence is currently insufficient to determine the role of this variant in disease. Therefore, it has been classified as a Variant of Uncertain Significance.

Ambry Genetics
Classification: Uncertain significance for Hereditary cancer-predisposing syndrome. Last evaluated: 2025-01-16. Review status: criteria provided, single submitter. Criteria: Ambry Variant Classification Scheme 2023. Collection method: clinical testing. Allele origin: germline.
Comment: The p.I278T variant (also known as c.833T>C), located in coding exon 4 of the MSH6 gene, results from a T to C substitution at nucleotide position 833. The isoleucine at codon 278 is replaced by threonine, an amino acid with similar properties. This amino acid position is conserved. In addition, this alteration is predicted to be tolerated by in silico analysis. Based on the available evidence, the clinical significance of this variant remains unclear.